The following is an entry in ClinVar:

NM_018319.4(TDP1):c.1799C>T (p.Thr600Met)

Gene: TDP1 (tyrosyl-DNA phosphodiesterase 1; plus strand). Cytogenetic location: 14q32.11.
Variant type: single nucleotide variant.
Coding change: c.1799C>T on transcript NM_018319.4 (MANE Select); coding-DNA position 1799, C replaced by T.
Protein change: p.Thr600Met; replaces threonine 600 with methionine.
Molecular consequence: missense variant.
Genome position (GRCh38, 1-based): chr14:90,043,115, C>T. VCF-style: chr14-90043115-C-T. GRCh37 (hg19) VCF-style: chr14-90509459-C-T.
Other names: c.1799C>T, p.Thr600Met (NM_001008744.2); c.1690C>T, p.Arg564Cys (NM_001330205.2); short protein forms T600M, R564C.
Identifiers: ClinVar variation 314841 (VCV000314841.14), dbSNP rs772139596, ClinGen allele CA7304137.

ClinVar aggregate classification (germline): Uncertain significance. Review status: criteria provided, multiple submitters, no conflicts (2 of 4 stars). 4 submissions from 4 submitters: Uncertain significance (4). Last evaluated 2023-09-29.

Conditions:
Spinocerebellar ataxia, autosomal recessive, with axonal neuropathy 1 (SCAN1). Identifiers: Orphanet 94124, MedGen C4759870, MONDO:0011801, OMIM 607250.

Allele frequency attached by ClinVar (database versions not stated): ExAC 0.00002; gnomAD exomes 0.00002 and 0.00004; gnomAD 0.00003 and 0.00004; TOPMed 0.00005.
gnomAD v4.1: 63 of 1,614,018 alleles (0.0039%); highest among the groups gnomAD compares: African/African-American, 0.011%; no homozygotes.

Submissions (4):

Ambry Genetics
Classification: Uncertain significance. Last evaluated: 2023-09-29. Review status: criteria provided, single submitter. Criteria: Ambry Variant Classification Scheme 2023. Collection method: clinical testing. Allele origin: germline.

Athena Diagnostics
Classification: Uncertain significance. Last evaluated: 2022-07-27. Review status: criteria provided, single submitter. Criteria: Athena Diagnostics Criteria. Collection method: clinical testing. Allele origin: unknown.

ARUP Laboratories, Molecular Genetics and Genomics, ARUP Laboratories
Classification: Uncertain significance for Spinocerebellar ataxia, autosomal recessive, with axonal neuropathy 1. Last evaluated: 2018-08-12. Review status: criteria provided, single submitter. Criteria: ARUP Molecular Germline Variant Investigation Process. Collection method: clinical testing. Allele origin: germline.
Comment: The TDP1 c.1799C>T; p.Thr600Met variant (rs772139596), to our knowledge, is not reported in the medical literature but is reported as uncertain significance in ClinVar (Variation ID: 314841). This variant is found in the general population with an overall allele frequency of 0.003% (8/277,104 alleles) in the Genome Aggregation Database. The threonine at codon 600 is moderately conserved, but computational analyses (SIFT, PolyPhen-2) predict that this variant is deleterious. Due to limited information, the clinical significance of the p.Thr600Met variant is uncertain at this time.

Illumina Laboratory Services, Illumina
Classification: Uncertain significance for Spinocerebellar ataxia, autosomal recessive, with axonal neuropathy 1. Last evaluated: 2018-01-12. Review status: criteria provided, single submitter. Criteria: ICSL Variant Classification Criteria 13 December 2019. Collection method: clinical testing. Allele origin: germline.